The following is an entry in ClinVar:

NM_005228.5(EGFR):c.2335G>A (p.Gly779Ser)

Genes: EGFR (epidermal growth factor receptor; plus strand), EGFR-AS1 (EGFR antisense RNA 1; minus strand). Cytogenetic location: 7p11.2.
Variant type: single nucleotide variant.
Coding change: c.2335G>A on transcript NM_005228.5 (MANE Select); coding-DNA position 2335, G replaced by A.
Protein change: p.Gly779Ser; replaces glycine 779 with serine.
Molecular consequence: missense variant. On other transcripts: non-coding transcript variant (1).
Genome position (GRCh38, 1-based): chr7:55,181,344, G>A. VCF-style: chr7-55181344-G-A. GRCh37 (hg19) VCF-style: chr7-55249037-G-A.
Other names: c.2200G>A, p.Gly734Ser (NM_001346897.2, NM_001346899.2); c.2335G>A, p.Gly779Ser (NM_001346898.2); c.2176G>A, p.Gly726Ser (NM_001346900.2); c.1534G>A, p.Gly512Ser (NM_001346941.2); short protein forms G779S, G512S, G726S, G734S.
Identifiers: ClinVar variation 1997603 (VCV001997603.4), dbSNP rs397517119, ClinGen allele CA367578778.
Genomic context (GRCh38, chr7:55,181,344, plus strand): 5'-TCCCTCCAGGAAGCCTACGTGATGGCCAGCGTGGACAACCCCCACGTGTGCCGCCTGCTG[G>A]GCATCTGCCTCACCTCCACCGTGCAGCTCATCACGCAGCTCATGCCCTTCGGCTGCCTCC-3'
Protein context (NP_005219.2, residues 769-789): VDNPHVCRLL[Gly779Ser]ICLTSTVQLI

ClinVar aggregate classification (germline): Uncertain significance (1 of 4 stars; one submission).

Conditions:
EGFR-related lung cancer (EGFR). Identifiers: MedGen CN130014.

Submission:

Labcorp Genetics (formerly Invitae), Labcorp
Classification: Uncertain significance for EGFR-related lung cancer. Last evaluated: 2022-05-21. Review status: criteria provided, single submitter. Criteria: Invitae Variant Classification Sherloc (09022015). Collection method: clinical testing. Allele origin: germline.
Comment: In summary, the available evidence is currently insufficient to determine the role of this variant in disease. Therefore, it has been classified as a Variant of Uncertain Significance. Algorithms developed to predict the effect of missense changes on protein structure and function are either unavailable or do not agree on the potential impact of this missense change (SIFT: "Deleterious"; PolyPhen-2: "Probably Damaging"; Align-GVGD: "Class C0"). This variant has not been reported in the literature in individuals affected with EGFR-related conditions. This variant is not present in population databases (gnomAD no frequency). This sequence change replaces glycine, which is neutral and non-polar, with serine, which is neutral and polar, at codon 779 of the EGFR protein (p.Gly779Ser).